The following is an entry in ClinVar:

NM_018129.4(PNPO):c.617+3G>A

Gene: PNPO (pyridoxamine 5'-phosphate oxidase; plus strand). Cytogenetic location: 17q21.32.
Variant type: single nucleotide variant.
Coding change: c.617+3G>A on transcript NM_018129.4 (MANE Select); 3 bases into the intron after coding-DNA position 617, G replaced by A.
Molecular consequence: intron variant.
Genome position (GRCh38, 1-based): chr17:47,946,396, G>A. VCF-style: chr17-47946396-G-A. GRCh37 (hg19) VCF-style: chr17-46023762-G-A.
Identifiers: ClinVar variation 626150 (VCV000626150.2), dbSNP rs368997507, ClinGen allele CA291296905.

ClinVar aggregate classification (germline): Uncertain significance (1 of 4 stars; one submission).

Conditions:
Pyridoxal phosphate-responsive seizures (PNPOD). Also called: Pyridoxal 5'-Phosphate (PLP)-Dependent Epilepsy; Pyridoxamine 5-Prime-Phosphate Oxidase Deficiency; Pyridoxine-5'-phosphate oxidase deficiency; EPILEPTIC ENCEPHALOPATHY, NEONATAL, PNPO-RELATED; SEIZURES, PYRIDOXINE-RESISTANT, PLP-SENSITIVE. Identifiers: Orphanet 79096, MedGen C1864723, MONDO:0012407, OMIM 610090. Disease mechanism: loss of function.

Allele frequency attached by ClinVar (database versions not stated): gnomAD exomes below 0.00001; gnomAD 0.00001; TOPMed 0.00003.
gnomAD v4.1: 3 of 1,607,514 alleles (0.00019%); highest among the groups gnomAD compares: Admixed American, 0.0017%; no homozygotes.

Submission:

Center for Genomics, Ann and Robert H. Lurie Children's Hospital of Chicago
Classification: Uncertain significance for Pyridoxal phosphate-responsive seizures. Last evaluated: 2021-03-30. Review status: criteria provided, single submitter. Criteria: ACMG Guidelines, 2015. Collection method: clinical testing. Allele origin: germline.
Comment: PNPO NM_018129 exon 6 c.617+3G>A: This variant has not been reported in the literature and is not present in large control databases. Evolutionary conservation and computational predictive tools for this variant are limited or unavailable. This variant occurs in the splice region, which may result in abnormal splicing and altered protein. However, further studies are needed to understand its impact. In summary, data on this variant is insufficient for disease classification. Therefore, the clinical significance of this variant is uncertain.